The following is an entry in ClinVar:

NM_018026.4(PACS1):c.2311C>T (p.Pro771Ser)

Gene: PACS1 (phosphofurin acidic cluster sorting protein 1; plus strand). Cytogenetic location: 11q13.2.
Variant type: single nucleotide variant.
Coding change: c.2311C>T on transcript NM_018026.4 (MANE Select); coding-DNA position 2311, C replaced by T.
Protein change: p.Pro771Ser; replaces proline 771 with serine.
Molecular consequence: missense variant.
Genome position (GRCh38, 1-based): chr11:66,239,159, C>T. VCF-style: chr11-66239159-C-T. GRCh37 (hg19) VCF-style: chr11-66006630-C-T.
Other names: short protein forms P771S.
Identifiers: ClinVar variation 2730465 (VCV002730465.3), dbSNP rs531498383, ClinGen allele CA6116848.

ClinVar aggregate classification (germline): Uncertain significance (1 of 4 stars; one submission).

Conditions:
Schuurs-Hoeijmakers syndrome. Also called: PACS1-Related Neurodevelopmental Disorder. Identifiers: Orphanet 329224, MedGen C3554343, MONDO:0014006, OMIM 615009.

Allele frequency attached by ClinVar (database versions not stated): 1000 Genomes Project 0.00020; gnomAD exomes 0.00001; gnomAD 0.00003; 1000 Genomes Project 30x 0.00031; ExAC 0.00001; TOPMed 0.00002.
gnomAD v4.1: 16 of 1,614,190 alleles (0.00099%); highest among the groups gnomAD compares: African/African-American, 0.0067%; no homozygotes.

Submission:

Labcorp Genetics (formerly Invitae), Labcorp
Classification: Uncertain significance for Schuurs-Hoeijmakers syndrome. Last evaluated: 2022-11-28. Review status: criteria provided, single submitter. Criteria: Invitae Variant Classification Sherloc (09022015). Collection method: clinical testing. Allele origin: germline.
Comment: This sequence change replaces proline, which is neutral and non-polar, with serine, which is neutral and polar, at codon 771 of the PACS1 protein (p.Pro771Ser). This variant is present in population databases (rs531498383, gnomAD 0.01%). This variant has not been reported in the literature in individuals affected with PACS1-related conditions. Advanced modeling of protein sequence and biophysical properties (such as structural, functional, and spatial information, amino acid conservation, physicochemical variation, residue mobility, and thermodynamic stability) performed at Invitae indicates that this missense variant is not expected to disrupt PACS1 protein function. In summary, the available evidence is currently insufficient to determine the role of this variant in disease. Therefore, it has been classified as a Variant of Uncertain Significance.